The following is an entry in ClinVar:

ClinVar aggregate classification (germline): Uncertain significance. Review status: criteria provided, multiple submitters, no conflicts (2 of 4 stars). 6 submissions from 6 submitters: Uncertain significance (6). Last evaluated 2025-08-25.

Conditions:
Hereditary cancer-predisposing syndrome. Also called: Hereditary neoplastic syndrome; Tumor predisposition; Neoplastic Syndromes, Hereditary; Hereditary Cancer Syndrome. Identifiers: Orphanet 140162, MedGen C0027672, MeSH D009386, MONDO:0015356.
Oligodontia-cancer predisposition syndrome. Also called: TOOTH AGENESIS-COLORECTAL CANCER SYNDROME. Identifiers: Orphanet 300576, MedGen C1837750, MONDO:0012075, OMIM 608615. Disease mechanism: loss of function.
Colorectal cancer. Also called: Colorectal cancer, somatic; Malignant Colorectal Neoplasm. Identifiers: MedGen C0346629, MONDO:0005575, OMIM 114500.

gnomAD v4.1: 3 of 1,613,578 alleles (0.00019%); highest among the groups gnomAD compares: Middle Eastern, 0.017%; no homozygotes.

Submissions (6):

Labcorp Genetics (formerly Invitae), Labcorp
Classification: Uncertain significance for Oligodontia-cancer predisposition syndrome. Last evaluated: 2025-08-25. Review status: criteria provided, single submitter. Criteria: Invitae Variant Classification Sherloc (09022015). Collection method: clinical testing. Allele origin: germline.
Comment: This sequence change replaces glycine, which is neutral and non-polar, with cysteine, which is neutral and slightly polar, at codon 502 of the AXIN2 protein (p.Gly502Cys). This variant is not present in population databases (gnomAD no frequency). This variant has not been reported in the literature in individuals affected with AXIN2-related conditions. ClinVar contains an entry for this variant (Variation ID: 419773). Invitae Evidence Modeling of protein sequence and biophysical properties (such as structural, functional, and spatial information, amino acid conservation, physicochemical variation, residue mobility, and thermodynamic stability) indicates that this missense variant is not expected to disrupt AXIN2 protein function with a negative predictive value of 80%. In summary, the available evidence is currently insufficient to determine the role of this variant in disease. Therefore, it has been classified as a Variant of Uncertain Significance.

KCCC/NGS Laboratory, Kuwait Cancer Control Center
Classification: Uncertain significance for Oligodontia-cancer predisposition syndrome. Last evaluated: 2025-07-07. Review status: criteria provided, single submitter. Criteria: ACMG Guidelines, 2015. Collection method: clinical testing. Allele origin: germline. Inheritance: Autosomal dominant inheritance. Affected: yes. Observed: 1 heterozygote.
Comment: This sequence change replaces glycine, which is neutral and non-polar, with cysteine, which is neutral and slightly polar, at codon 502 of the AXIN2 protein (p.Gly502Cys). This variant is not present in population databases (gnomAD no frequency). this is considered a nonconservative amino acid substitution.This variant has not been reported in the literature in individuals affected with AXIN2-related conditions. ClinVar contains an entry for this variant (Variation ID: 419773). I In silico analyses are inconsistent regarding the effect this variant may have on protein structure and function. In summary, the available evidence is currently insufficient to determine the role of this variant in disease. Therefore, it has been classified as a Variant of Uncertain Significance.

Ambry Genetics
Classification: Uncertain significance for Hereditary cancer-predisposing syndrome. Last evaluated: 2025-06-21. Review status: criteria provided, single submitter. Criteria: Ambry Variant Classification Scheme 2023. Collection method: clinical testing. Allele origin: germline.
Comment: The p.G502C variant (also known as c.1504G>T), located in coding exon 5 of the AXIN2 gene, results from a G to T substitution at nucleotide position 1504. The glycine at codon 502 is replaced by cysteine, an amino acid with highly dissimilar properties. This amino acid position is poorly conserved in available vertebrate species. In addition, this alteration is predicted to be tolerated by in silico analysis. Since supporting evidence is limited at this time, the clinical significance of this alteration remains unclear.

Center for Genomic Medicine, Rigshospitalet, Copenhagen University Hospital
Classification: Uncertain significance. Last evaluated: 2025-03-04. Review status: criteria provided, single submitter. Criteria: ACMG Guidelines, 2015. Collection method: clinical testing. Allele origin: germline.

Baylor Genetics
Classification: Uncertain significance for Colorectal cancer. Last evaluated: 2023-10-03. Review status: criteria provided, single submitter. Criteria: ACMG Guidelines, 2015. Collection method: clinical testing. Allele origin: unknown.

GeneDx
Classification: Uncertain significance. Last evaluated: 2016-03-23. Review status: criteria provided, single submitter. Criteria: GeneDx Variant Classification (06012015). Collection method: clinical testing. Allele origin: germline. Affected: yes.
Comment: This variant is denoted AXIN2 c.1504G>T at the cDNA level, p.Gly502Cys (G502C) at the protein level, and results in the change of a Glycine to a Cysteine (GGC>TGC). This variant has not, to our knowledge, been published in the literature as pathogenic or benign. AXIN2 Gly502Cys was not observed in approximately 6,500 individuals of European and African American ancestry in the NHLBI Exome Sequencing Project, indicating it is not a common benign variant in these populations. Since Glycine and Cysteine differ in polarity, charge, size or other properties, this is considered a non-conservative amino acid substitution. AXIN2 Gly502Cys occurs at a position that is not conserved and is not located in a known functional domain (Hughes 2007, UniProt). In silico analyses are inconsistent regarding the effect this variant may have on protein structure and function. Based on currently available information, it is unclear whether AXIN2 Gly502Cys is pathogenic or benign. We consider it to be a variant of uncertain significance.

NM_004655.4(AXIN2):c.1504G>T (p.Gly502Cys)

Gene: AXIN2 (axin 2; minus strand). Cytogenetic location: 17q24.1.
Variant type: single nucleotide variant.
Coding change: c.1504G>T on transcript NM_004655.4 (MANE Select); coding-DNA position 1504, G replaced by T.
Protein change: p.Gly502Cys; replaces glycine 502 with cysteine.
Molecular consequence: missense variant.
Genome position (GRCh38, 1-based): chr17:65,537,532, C>A on the plus strand (G>T on the coding strand, the complement: AXIN2 is on the minus strand). VCF-style: chr17-65537532-C-A. GRCh37 (hg19) VCF-style: chr17-63533650-C-A.
Other names: c.1504G>T, p.Gly502Cys (NM_001363813.1); c.1504G>T (LRG_296t1); short protein forms G502C.
Identifiers: ClinVar variation 419773 (VCV000419773.22), dbSNP rs978541876, ClinGen allele CA16620568.